The following is an entry in ClinVar:

NM_000283.4(PDE6B):c.2206G>A (p.Val736Met)

Gene: PDE6B (phosphodiesterase 6B; plus strand). Cytogenetic location: 4p16.3.
Variant type: single nucleotide variant.
Coding change: c.2206G>A on transcript NM_000283.4 (MANE Select); coding-DNA position 2206, G replaced by A.
Protein change: p.Val736Met; replaces valine 736 with methionine.
Molecular consequence: missense variant.
Genome position (GRCh38, 1-based): chr4:665,267, G>A. VCF-style: chr4-665267-G-A. GRCh37 (hg19) VCF-style: chr4-659056-G-A.
Other names: c.2206G>A, p.Val736Met (NM_001145291.2); c.1369G>A, p.Val457Met (NM_001145292.2, NM_001350154.3, NM_001379246.1 and 1 more transcripts); c.1051G>A, p.Val351Met (NM_001350155.3); short protein forms V351M, V457M, V736M.
Identifiers: ClinVar variation 1045037 (VCV001045037.7), dbSNP rs779518964, ClinGen allele CA2794955.
Genomic context (GRCh38, chr4:665,267, plus strand): 5'-CCGCGTGGGCTCAGAGCTCCACAGACAGCTGCCTTCCTGTGCCTCCAGGTCGCACTTCTC[G>A]TGGCTGCTGAGTTCTGGGAGCAAGGTGACTTGGAAAGGACAGTCTTGGATCAGCAGCCCA-3'
Protein context (NP_000274.3, residues 726-746): WEVQSKVALL[Val736Met]AAEFWEQGDL

ClinVar aggregate classification (germline): Uncertain significance. Review status: criteria provided, single submitter (1 of 4 stars). 2 submissions from 2 submitters: Uncertain significance (1). 1 of the submissions does not count toward it. Last evaluated 2025-08-19.

Conditions:
Retinal dystrophy. Also called: Inherited retinal dystrophy. Identifiers: Orphanet 71862, MedGen C0854723, MeSH D058499, MONDO:0019118, HP:0000556.

Allele frequency attached by ClinVar (database versions not stated): gnomAD exomes 0.00001 and 0.00002; ExAC 0.00002; TOPMed 0.00002.
gnomAD v4.1: 11 of 1,612,664 alleles (0.00068%); highest among the groups gnomAD compares: Admixed American, 0.0033%; no homozygotes.

Submissions (2):

Labcorp Genetics (formerly Invitae), Labcorp
Classification: Uncertain significance. Last evaluated: 2025-08-19. Review status: criteria provided, single submitter. Criteria: Invitae Variant Classification Sherloc (09022015). Collection method: clinical testing. Allele origin: germline.
Comment: This sequence change replaces valine, which is neutral and non-polar, with methionine, which is neutral and non-polar, at codon 736 of the PDE6B protein (p.Val736Met). This variant is present in population databases (rs779518964, gnomAD 0.006%). This variant has not been reported in the literature in individuals affected with PDE6B-related conditions. ClinVar contains an entry for this variant (Variation ID: 1045037). Invitae Evidence Modeling of protein sequence and biophysical properties (such as structural, functional, and spatial information, amino acid conservation, physicochemical variation, residue mobility, and thermodynamic stability) indicates that this missense variant is expected to disrupt PDE6B protein function with a positive predictive value of 95%. In summary, the available evidence is currently insufficient to determine the role of this variant in disease. Therefore, it has been classified as a Variant of Uncertain Significance.

Institute of Human Genetics, Univ. Regensburg, Univ. Regensburg
Classification: Uncertain significance for Retinal dystrophy. Last evaluated: 2019-01-01. Review status: no assertion criteria provided. Criteria: ACMG Guidelines, 2015. Collection method: clinical testing. Allele origin: germline. Affected: yes. Not counted in ClinVar's aggregate classification.